The following is an entry in ClinVar:

ClinVar aggregate classification (germline): Likely benign (1 of 4 stars; one submission).

Allele frequency attached by ClinVar (database versions not stated): gnomAD exomes below 0.00001.
gnomAD v4.1: 3 of 1,477,642 alleles (0.0002%); highest among the groups gnomAD compares: South Asian, 0.0013%; no homozygotes.

Submission:

CeGaT Center for Human Genetics Tuebingen
Classification: Likely benign. Last evaluated: 2023-02-01. Review status: criteria provided, single submitter. Criteria: CeGaT Center For Human Genetics Tuebingen Variant Classification Criteria Version 2. Collection method: clinical testing. Allele origin: germline. Affected: yes. Observed: 1 variant allele.
Comment: CACNA1A: PM2:Supporting, BP4, BP7

NM_001127222.2(CACNA1A):c.7254C>T (p.Ala2418=)

Gene: CACNA1A (calcium voltage-gated channel subunit alpha1 A; minus strand). Cytogenetic location: 19p13.13.
Variant type: single nucleotide variant.
Coding change: c.7254C>T on transcript NM_001127222.2 (MANE Select); coding-DNA position 7254, C replaced by T.
Protein change: p.Ala2418=; no amino-acid change (alanine 2418 retained).
Molecular consequence: synonymous variant. On other transcripts: 3 prime UTR variant (3).
Genome position (GRCh38, 1-based): chr19:13,207,580, G>A on the plus strand (C>T on the coding strand, the complement: CACNA1A is on the minus strand). VCF-style: chr19-13207580-G-A. GRCh37 (hg19) VCF-style: chr19-13318394-G-A.
Other names: c.*466C>T (NM_001127221.2, NM_001174080.2, NM_000068.4); c.7272C>T, p.Ala2424= (NM_023035.3).
Identifiers: ClinVar variation 2498758 (VCV002498758.28), dbSNP rs2512506048, ClinGen allele CA505784767.
Genomic context (GRCh38, chr19:13,207,580, plus strand): 5'-GGGTGGCGCGTCGTAGGCCCCGGCCATGGCCTCCTCGCCGCCCCCGCTGCCCGGGCCATC[G>A]GCCTCGTCGTAGTCGGAGCCCCGGTAGTAGCCATGGTGCCGGGGACCCGGGGGCCCCTCG-3'
Protein context (NP_001120694.1, residues 2408-2428): GYYRGSDYDE[Ala2418=]DGPGSGGGEE